The following is an entry in ClinVar:

NM_000059.4(BRCA2):c.1772T>C (p.Ile591Thr)

Gene: BRCA2 (BRCA2 DNA repair associated; plus strand). Cytogenetic location: 13q13.1.
Variant type: single nucleotide variant.
Coding change: c.1772T>C on transcript NM_000059.4 (MANE Select); coding-DNA position 1772, T replaced by C.
Protein change: p.Ile591Thr; replaces isoleucine 591 with threonine.
Molecular consequence: missense variant.
Genome position (GRCh38, 1-based): chr13:32,333,250, T>C. VCF-style: chr13-32333250-T-C. GRCh37 (hg19) VCF-style: chr13-32907387-T-C.
Other names: short protein forms I591T.
Identifiers: ClinVar variation 233599 (VCV000233599.18), dbSNP rs876660511, ClinGen allele CA10579504.
Genomic context (GRCh38, chr13:32,333,250, plus strand): 5'-CTGTAGCTTTGAAGAATGCAGGTTTAATATCCACTTTGAAAAAGAAAACAAATAAGTTTA[T>C]TTATGCTATACATGATGAAACATCTTATAAAGGAAAAAAAATACCGAAAGACCAAAAATC-3'
Protein context (NP_000050.3, residues 581-601): STLKKKTNKF[Ile591Thr]YAIHDETSYK

ClinVar aggregate classification (germline): Conflicting classifications of pathogenicity. Review status: criteria provided, conflicting classifications (1 of 4 stars). 6 submissions from 6 submitters: Uncertain significance (5); Likely benign (1). Last evaluated 2025-07-10.

Conditions:
Hereditary cancer-predisposing syndrome. Also called: Tumor predisposition; Hereditary Cancer Syndrome; Hereditary neoplastic syndrome; Neoplastic Syndromes, Hereditary. Identifiers: Orphanet 140162, MedGen C0027672, MeSH D009386, MONDO:0015356.
Hereditary breast ovarian cancer syndrome. Also called: Hereditary breast and ovarian cancer; Breast and ovarian cancer; BRCA1- and BRCA2-Associated Hereditary Breast and Ovarian Cancer; Hereditary breast and ovarian cancer syndrome; Hereditary breast and ovarian cancer syndrome (HBOC); Hereditary breast and/or ovarian cancer syndrome. Identifiers: Orphanet 145, MedGen C0677776, MeSH D061325, MONDO:0003582. Disease mechanism: loss of function.
Breast-ovarian cancer, familial, susceptibility to, 2 (BROVCA2). Also called: BRCA2 Hereditary Breast and Ovarian Cancer. Identifiers: Orphanet 145, MedGen C2675520, MONDO:0012933, OMIM 612555. Disease mechanism: loss of function.

Submissions (6):

Color Diagnostics, LLC DBA Color Health
Classification: Uncertain significance for Hereditary cancer-predisposing syndrome. Last evaluated: 2025-07-10. Review status: criteria provided, single submitter. Criteria: ACMG Guidelines, 2015. Collection method: clinical testing. Allele origin: germline.
Comment: This missense variant replaces isoleucine with threonine at codon 591 of the BRCA2 protein. Computational prediction suggests that this variant may not impact protein structure and function. To our knowledge, functional studies have not been reported for this variant. Multifactorial analysis has reached a combined likelihood ratio (LR) of 1.834 based on reported LR for co-occurrence with a pathogenic variant and personal and family history for 2 carriers (PMID: 31131967, 31853058). This variant has not been identified in the general population by the Genome Aggregation Database (gnomAD). The available evidence is insufficient to determine the role of this variant in disease conclusively. Therefore, this variant is classified as a Variant of Uncertain Significance.

Ambry Genetics
Classification: Uncertain significance for Hereditary cancer-predisposing syndrome. Last evaluated: 2024-03-25. Review status: criteria provided, single submitter. Criteria: Ambry Variant Classification Scheme 2023. Collection method: clinical testing. Allele origin: germline.
Comment: The p.I591T variant (also known as c.1772T>C), located in coding exon 9 of the BRCA2 gene, results from a T to C substitution at nucleotide position 1772. The isoleucine at codon 591 is replaced by threonine, an amino acid with similar properties. This amino acid position is well conserved in available vertebrate species. In addition, the in silico prediction for this alteration is inconclusive. Based on the available evidence, the clinical significance of this alteration remains unclear.

All of Us Research Program, National Institutes of Health
Classification: Uncertain significance for Breast-ovarian cancer, familial, susceptibility to, 2. Last evaluated: 2023-08-15. Review status: criteria provided, single submitter. Criteria: ACMG Guidelines, 2015. Collection method: clinical testing. Allele origin: germline. Inheritance: Autosomal dominant inheritance. Observed: 1 variant allele, 1 heterozygote.
Comment: This missense variant replaces isoleucine with threonine at codon 591 of the BRCA2 protein. Computational prediction suggests that this variant may not impact protein structure and function (internally defined REVEL score threshold <= 0.5, PMID: 27666373). To our knowledge, functional studies have not been reported for this variant. This variant has not been reported in individuals affected with hereditary cancer in the literature. This variant has not been identified in the general population by the Genome Aggregation Database (gnomAD). The available evidence is insufficient to determine the role of this variant in disease conclusively. Therefore, this variant is classified as a Variant of Uncertain Significance.

This study involves interpretation of variants in research participants for the purpose of population health screening. Participant phenotype was not available at the time of variant classification. Additional details can be found in publication PMID: 35346344, PMCID: PMC8962531

Labcorp Genetics (formerly Invitae), Labcorp
Classification: Uncertain significance for Hereditary breast ovarian cancer syndrome. Last evaluated: 2023-05-03. Review status: criteria provided, single submitter. Criteria: Invitae Variant Classification Sherloc (09022015). Collection method: clinical testing. Allele origin: germline.
Comment: Advanced modeling of protein sequence and biophysical properties (such as structural, functional, and spatial information, amino acid conservation, physicochemical variation, residue mobility, and thermodynamic stability) performed at Invitae indicates that this missense variant is not expected to disrupt BRCA2 protein function. In summary, the available evidence is currently insufficient to determine the role of this variant in disease. Therefore, it has been classified as a Variant of Uncertain Significance. This sequence change replaces isoleucine, which is neutral and non-polar, with threonine, which is neutral and polar, at codon 591 of the BRCA2 protein (p.Ile591Thr). This variant is not present in population databases (gnomAD no frequency). This variant has not been reported in the literature in individuals affected with BRCA2-related conditions. ClinVar contains an entry for this variant (Variation ID: 233599).

University of Washington Department of Laboratory Medicine, University of Washington
Classification: Likely benign for Hereditary cancer-predisposing syndrome. Last evaluated: 2023-03-23. Review status: criteria provided, single submitter. Criteria: Dines et al. (Genet Med. 2020). Collection method: curation. Allele origin: germline.
Comment: Missense variant in a coldspot region where missense variants are very unlikely to be pathogenic (PMID:31911673).

BRCA2 exon 10 coldspot. Reclassification based on statistical prior probability.

Quest Diagnostics Nichols Institute San Juan Capistrano
Classification: Uncertain significance. Last evaluated: 2021-07-09. Review status: criteria provided, single submitter. Criteria: Quest Diagnostics criteria. Collection method: clinical testing. Allele origin: unknown.

Literature cited by the submitters: PubMed 31131967 (cited by Color Diagnostics, LLC DBA Color Health); PubMed 31853058 (cited by Color Diagnostics, LLC DBA Color Health).